The following is an entry in ClinVar:

ClinVar aggregate classification (germline): Uncertain significance (1 of 4 stars; one submission).

Allele frequency attached by ClinVar (database versions not stated): ExAC 0.00001; gnomAD exomes 0.00001; gnomAD 0.00005 and 0.00006; ESP Exome Variant Server 0.00008; TOPMed 0.00010.
gnomAD v4.1: 18 of 1,613,966 alleles (0.0011%); highest among the groups gnomAD compares: African/African-American, 0.013%; no homozygotes.

Submission:

GeneDx
Classification: Uncertain significance. Last evaluated: 2025-08-27. Review status: criteria provided, single submitter. Criteria: GeneDx Variant Classification Process June 2021. Collection method: clinical testing. Allele origin: germline. Affected: yes.
Comment: See Variant Classification Assertion Criteria.

NM_020320.5(RARS2):c.1338G>C (p.Lys446Asn)

Gene: RARS2 (arginyl-tRNA synthetase 2, mitochondrial; minus strand). Cytogenetic location: 6q15.
Variant type: single nucleotide variant.
Coding change: c.1338G>C on transcript NM_020320.5 (MANE Select); coding-DNA position 1338, G replaced by C.
Protein change: p.Lys446Asn; replaces lysine 446 with asparagine.
Molecular consequence: missense variant. On other transcripts: non-coding transcript variant (23).
Genome position (GRCh38, 1-based): chr6:87,518,707, C>G on the plus strand (G>C on the coding strand, the complement: RARS2 is on the minus strand). VCF-style: chr6-87518707-C-G. GRCh37 (hg19) VCF-style: chr6-88228425-C-G.
Other names: c.813G>C, p.Lys271Asn (NM_001318785.2, NM_001350506.2, NM_001350507.2 and 4 more transcripts); c.1338G>C, p.Lys446Asn (NM_001350505.2); short protein forms K446N, K271N.
Identifiers: ClinVar variation 379546 (VCV000379546.2), dbSNP rs144988947, ClinGen allele CA3916313.